The following is an entry in ClinVar:

ClinVar aggregate classification (germline): Pathogenic. Review status: reviewed by expert panel (3 of 4 stars). 3 submissions from 3 submitters: Pathogenic (1). 2 of the submissions do not count toward it. Last evaluated 2024-09-10.

Conditions:
Inborn genetic diseases. Identifiers: MedGen C0950123, MeSH D030342.
Hereditary thrombocytopenia and hematological cancer predisposition syndrome associated with RUNX1. Also called: Familial Platelet Disorder with Propensity to Acute Myelogenous Leukemia; Familial thrombocytopenia with propensity to acute myelogenous leukemia; PLATELET DISORDER, ASPIRIN-LIKE; RUNX1 Familial Platelet Disorder with Associated Myeloid Malignancies. Identifiers: Orphanet 71290, MedGen C1832388, MeSH C563324, MONDO:0100083, OMIM 601399.
Hereditary thrombocytopenia and hematologic cancer predisposition syndrome. Identifiers: Orphanet 71290, MedGen CN281654, MONDO:0011071.

Submissions (3):

ClinGen Myeloid Malignancy Variant Curation Expert Panel
Classification: Pathogenic for Hereditary thrombocytopenia and hematologic cancer predisposition syndrome. Last evaluated: 2024-09-10. Review status: reviewed by expert panel. Criteria: ClinGen MyeloMalig ACMG Specifications v2. Collection method: curation. Allele origin: germline. Inheritance: Autosomal dominant inheritance.
Comment: NM_001754.5(RUNX1):c.132dup (p.Thr45HisfsTer?) is a frameshift variant which is predicted to undergo nonsense-mediated decay in a gene in which loss-of-function is an established mechanism (frameshift (+) c.98-c.779 as per VCEP specifications) (PVS1). This variant is completely absent from all population databases with at least 20x coverage for RUNX1 (PM2_Supporting). This variant is downstream of c.98 (PM5_Supporting). In summary, this variant meets criteria to be classified as pathogenic. ACMG/AMP criteria applied, as specified by the Myeloid Malignancy Variant Curation Expert Panel for RUNX1: PVS1, PM2_Supporting, PM5_Supporting.

Ambry Genetics
Classification: Pathogenic for Inborn genetic diseases. Last evaluated: 2025-02-04. Review status: criteria provided, single submitter. Criteria: Ambry Variant Classification Scheme 2023. Collection method: clinical testing. Allele origin: germline. Not counted in ClinVar's aggregate classification.
Comment: The c.132dupC pathogenic mutation, located in coding exon 3 of the RUNX1 gene, results from a duplication of C at nucleotide position 132, causing a translational frameshift with a predicted alternate stop codon (p.T45Hfs*93). This variant is considered to be rare based on population cohorts in the Genome Aggregation Database (gnomAD). This alteration is expected to result in loss of function by premature protein truncation or nonsense-mediated mRNA decay. As such, this alteration is interpreted as a disease-causing mutation.

Labcorp Genetics (formerly Invitae), Labcorp
Classification: Pathogenic for Hereditary thrombocytopenia and hematological cancer predisposition syndrome associated with RUNX1. Last evaluated: 2023-12-23. Review status: criteria provided, single submitter. Criteria: Invitae Variant Classification Sherloc (09022015). Collection method: clinical testing. Allele origin: germline. Not counted in ClinVar's aggregate classification.
Comment: This sequence change creates a premature translational stop signal (p.Thr45Hisfs*93) in the RUNX1 gene. It is expected to result in an absent or disrupted protein product. Loss-of-function variants in RUNX1 are known to be pathogenic (PMID: 18723428, 24100448). This variant is not present in population databases (gnomAD no frequency). This variant has not been reported in the literature in individuals affected with RUNX1-related conditions. For these reasons, this variant has been classified as Pathogenic.

Literature cited by the submitters: PubMed 18723428 (cited by Labcorp Genetics (formerly Invitae), Labcorp); PubMed 24100448 (cited by Labcorp Genetics (formerly Invitae), Labcorp).

NM_001754.5(RUNX1):c.132dup (p.Thr45fs)

Gene: RUNX1 (RUNX family transcription factor 1; minus strand). Cytogenetic location: 21q22.12.
Variant type: Duplication.
Coding change: c.132dup on transcript NM_001754.5 (MANE Select); coding-DNA position 132, one base duplicated (C; older notation c.132dupC).
Protein change: p.Thr45fs; shifts the reading frame from threonine 45.
Molecular consequence: frameshift variant.
Genome position (GRCh38, 1-based): chr21:34,887,062, G duplicated on the plus strand (C on the coding strand, the reverse complement: RUNX1 is on the minus strand); the first of 2 consecutive G bases (chr21:34,887,062-34,887,063); duplicating either gives the same sequence. VCF-style (leftmost placement, unchanged base first): chr21-34887061-T-TG. GRCh37 (hg19) VCF-style: chr21-36259358-T-TG.
Other names: NM_001754.5(RUNX1):c.132dup; p.Thr45fs; c.51dup, p.Thr18fs (NM_001001890.3, NM_001122607.2); c.132dupC (NM_001754.4); short protein forms T45fs, T18fs.
Identifiers: ClinVar variation 2705087 (VCV002705087.5), dbSNP rs2517488147, ClinGen allele CA2697547500.